The following is an entry in ClinVar:

ClinVar aggregate classification (germline): Uncertain significance (1 of 4 stars; one submission).

Conditions:
Charcot-Marie-Tooth disease type 2. Also called: Charcot-Marie-Tooth type 2. Identifiers: Orphanet 64746, MedGen C0270914, MONDO:0018993.

Submission:

Labcorp Genetics (formerly Invitae), Labcorp
Classification: Uncertain significance for Charcot-Marie-Tooth disease type 2. Last evaluated: 2023-12-31. Review status: criteria provided, single submitter. Criteria: Invitae Variant Classification Sherloc (09022015). Collection method: clinical testing. Allele origin: germline.
Comment: This sequence change replaces phenylalanine, which is neutral and non-polar, with cysteine, which is neutral and slightly polar, at codon 497 of the GARS protein (p.Phe497Cys). This variant is not present in population databases (gnomAD no frequency). This variant has not been reported in the literature in individuals affected with GARS-related conditions. Advanced modeling of protein sequence and biophysical properties (such as structural, functional, and spatial information, amino acid conservation, physicochemical variation, residue mobility, and thermodynamic stability) performed at Invitae indicates that this missense variant is not expected to disrupt GARS protein function with a negative predictive value of 95%. In summary, the available evidence is currently insufficient to determine the role of this variant in disease. Therefore, it has been classified as a Variant of Uncertain Significance.

NM_002047.4(GARS1):c.1490T>G (p.Phe497Cys)

Gene: GARS1 (glycyl-tRNA synthetase 1; plus strand). Cytogenetic location: 7p14.3.
Variant type: single nucleotide variant.
Coding change: c.1490T>G on transcript NM_002047.4 (MANE Select); coding-DNA position 1490, T replaced by G.
Protein change: p.Phe497Cys; replaces phenylalanine 497 with cysteine.
Molecular consequence: missense variant.
Genome position (GRCh38, 1-based): chr7:30,622,339, T>G. VCF-style: chr7-30622339-T-G. GRCh37 (hg19) VCF-style: chr7-30661955-T-G.
Other names: c.1328T>G, p.Phe443Cys (NM_001316772.1); short protein forms F443C, F497C.
Identifiers: ClinVar variation 2760164 (VCV002760164.3), dbSNP rs2534321329, ClinGen allele CA367128611.